The following is an entry in ClinVar:

NM_018026.4(PACS1):c.637G>A (p.Val213Met)

Gene: PACS1 (phosphofurin acidic cluster sorting protein 1; plus strand). Cytogenetic location: 11q13.2.
Variant type: single nucleotide variant.
Coding change: c.637G>A on transcript NM_018026.4 (MANE Select); coding-DNA position 637, G replaced by A.
Protein change: p.Val213Met; replaces valine 213 with methionine.
Molecular consequence: missense variant.
Genome position (GRCh38, 1-based): chr11:66,211,236, G>A. VCF-style: chr11-66211236-G-A. GRCh37 (hg19) VCF-style: chr11-65978707-G-A.
Other names: short protein forms V213M.
Identifiers: ClinVar variation 436127 (VCV000436127.40), dbSNP rs142653069, ClinGen allele CA6116294.

ClinVar aggregate classification (germline): Benign/Likely benign. Review status: criteria provided, multiple submitters, no conflicts (2 of 4 stars). 7 submissions from 7 submitters: Benign (3); Likely benign (3). 1 of the submissions does not count toward it. Last evaluated 2025-10-17.

Conditions:
PACS1-related disorder. Also called: PACS1-related condition.
Inborn genetic diseases. Identifiers: MedGen C0950123, MeSH D030342.
Schuurs-Hoeijmakers syndrome. Also called: PACS1-Related Neurodevelopmental Disorder. Identifiers: Orphanet 329224, MedGen C3554343, MONDO:0014006, OMIM 615009.
Intellectual disability. Also called: intellectual disabilities; Intellectual functioning disability; Intellectual developmental disorder. Identifiers: MedGen C3714756, MeSH D008607, MONDO:0001071, HP:0001249.

Allele frequency attached by ClinVar (database versions not stated): ExAC 0.00016; gnomAD exomes 0.00017; gnomAD 0.00026 and 0.00029; TOPMed 0.00027; ESP Exome Variant Server 0.00031.
gnomAD v4.1: 415 of 1,613,624 alleles (0.026%); highest among the groups gnomAD compares: Non-Finnish European, 0.032%; 1 homozygote.

Submissions (7):

Labcorp Genetics (formerly Invitae), Labcorp
Classification: Benign for Schuurs-Hoeijmakers syndrome. Last evaluated: 2025-10-17. Review status: criteria provided, single submitter. Criteria: Invitae Variant Classification Sherloc (09022015). Collection method: clinical testing. Allele origin: germline.

CeGaT Center for Human Genetics Tuebingen
Classification: Likely benign. Last evaluated: 2024-02-01. Review status: criteria provided, single submitter. Criteria: CeGaT Center For Human Genetics Tuebingen Variant Classification Criteria Version 2. Collection method: clinical testing. Allele origin: germline. Affected: yes. Observed: 1 variant allele.
Comment: PACS1: PP2, BS1

Cambridge Genomics Laboratory, East Genomic Laboratory Hub, NHS Genomic Medicine Service
Classification: Benign for Intellectual disability. Last evaluated: 2019-05-23. Review status: criteria provided, single submitter. Criteria: ACGS Best Practice Guidelines for Variant Classification in Rare Disease 2020. Collection method: clinical testing. Allele origin: germline. Affected: yes. Observed: 1 variant allele.

GeneDx
Classification: Benign. Last evaluated: 2018-10-30. Review status: criteria provided, single submitter. Criteria: GeneDx Variant Classification Process June 2021. Collection method: clinical testing. Allele origin: germline. Affected: yes.

Ambry Genetics
Classification: Likely benign for Inborn genetic diseases. Last evaluated: 2016-11-21. Review status: criteria provided, single submitter. Criteria: Ambry Variant Classification Scheme 2023. Collection method: clinical testing. Allele origin: germline.

Genetic Services Laboratory, University of Chicago
Classification: Likely benign. Last evaluated: 2016-04-21. Review status: criteria provided, single submitter. Criteria: ACMG Guidelines, 2015. Collection method: clinical testing. Allele origin: germline. Affected: no.

PreventionGenetics, part of Exact Sciences
Classification: Likely benign for PACS1-related condition. Last evaluated: 2019-03-07. Review status: no assertion criteria provided. Collection method: clinical testing. Allele origin: germline. Not counted in ClinVar's aggregate classification.
Comment: This variant is classified as likely benign based on ACMG/AMP sequence variant interpretation guidelines (Richards et al. 2015 PMID: 25741868, with internal and published modifications).